The following is an entry in ClinVar:

NM_019098.5(CNGB3):c.701_702delinsTG (p.Cys234Leu)

Gene: CNGB3 (cyclic nucleotide gated channel subunit beta 3; minus strand). Cytogenetic location: 8q21.3.
Variant type: Indel.
Coding change: c.701_702delinsTG on transcript NM_019098.5 (MANE Select); coding-DNA positions 701 to 702, GT replaced by TG.
Protein change: p.Cys234Leu; replaces cysteine 234 with leucine.
Molecular consequence: missense variant.
Genome position (GRCh38, 1-based): chr8:86,667,075-86,667,076, AC replaced by CA on the plus strand (GT replaced by TG on the coding strand, the reverse complement: CNGB3 is on the minus strand). VCF-style: chr8-86667075-AC-CA. GRCh37 (hg19) VCF-style: chr8-87679303-AC-CA.
Other names: short protein forms C234L.
Identifiers: ClinVar variation 958680 (VCV000958680.2), dbSNP rs1823755123, ClinGen allele CA1139660620.

ClinVar aggregate classification (germline): Uncertain significance (1 of 4 stars; one submission).

Submission:

Labcorp Genetics (formerly Invitae), Labcorp
Classification: Uncertain significance. Last evaluated: 2019-09-10. Review status: criteria provided, single submitter. Criteria: Invitae Variant Classification Sherloc (09022015). Collection method: clinical testing. Allele origin: germline.
Comment: This sequence change replaces cysteine with leucine at codon 234 of the CNGB3 protein (p.Cys234Leu). The cysteine residue is weakly conserved and there is a large physicochemical difference between cysteine and leucine. This variant is not present in population databases (ExAC no frequency). This variant has not been reported in the literature in individuals with CNGB3-related conditions. Algorithms developed to predict the effect of missense changes on protein structure and function are either unavailable or do not agree on the potential impact of this missense change (SIFT: Deleterious; PolyPhen-2: Benign; Align-GVGD: Class C0). In summary, the available evidence is currently insufficient to determine the role of this variant in disease. Therefore, it has been classified as a Variant of Uncertain Significance.